The following is an entry in ClinVar:

ClinVar aggregate classification (germline): Uncertain significance (1 of 4 stars; one submission).

Conditions:
CARD14-related disorder. Also called: CARD14-related condition.

Allele frequency attached by ClinVar (database versions not stated): gnomAD exomes below 0.00001.
gnomAD v4.1: 4 of 1,599,250 alleles (0.00025%); highest among the groups gnomAD compares: Non-Finnish European, 0.00034%; no homozygotes.

Submission:

PreventionGenetics, part of Exact Sciences
Classification: Uncertain significance for CARD14-related condition. Last evaluated: 2023-01-05. Review status: criteria provided, single submitter. Criteria: ACMG Guidelines, 2015. Collection method: clinical testing. Allele origin: germline.
Comment: The CARD14 c.1247C>T variant is predicted to result in the amino acid substitution p.Thr416Ile. To our knowledge, this variant has not been reported in the literature or in a large population database, indicating this variant is rare. At this time, the clinical significance of this variant is uncertain due to the absence of conclusive functional and genetic evidence.

NM_001366385.1(CARD14):c.1851+107C>T

Gene: CARD14 (caspase recruitment domain family member 14; plus strand). Cytogenetic location: 17q25.3.
Variant type: single nucleotide variant.
Coding change: c.1851+107C>T on transcript NM_001366385.1 (MANE Select); 107 bases into the intron after coding-DNA position 1851, C replaced by T.
Molecular consequence: intron variant. On other transcripts: missense variant (1).
Genome position (GRCh38, 1-based): chr17:80,198,698, C>T. VCF-style: chr17-80198698-C-T. GRCh37 (hg19) VCF-style: chr17-78172497-C-T.
Other names: c.1247C>T, p.Thr416Ile (NM_052819.3); c.1851+107C>T (NM_024110.4, NM_001257970.1); short protein forms T416I.
Identifiers: ClinVar variation 2629588 (VCV002629588.1), dbSNP rs774632362, ClinGen allele CA294876127.
Genomic context (GRCh38, chr17:80,198,698, plus strand): 5'-CAGTGGCAGCGGGTGGGGTGACCCAGGCAGACTTCACCTCCCCCAGACGATGCAGATCCA[C>T]TCTGGGCTGGGCCTCTGCTCTTTCCTGGGCTGACGTAAAGCGTTCTGCTCATTTATAGAT-3'